The following is an entry in ClinVar:

NM_000256.3(MYBPC3):c.3413G>C (p.Arg1138Pro)

Gene: MYBPC3 (myosin binding protein C3; minus strand). Cytogenetic location: 11p11.2.
Variant type: single nucleotide variant.
Coding change: c.3413G>C on transcript NM_000256.3 (MANE Select); coding-DNA position 3413, G replaced by C.
Protein change: p.Arg1138Pro; replaces arginine 1138 with proline.
Molecular consequence: missense variant.
Genome position (GRCh38, 1-based): chr11:47,332,891, C>G on the plus strand (G>C on the coding strand, the complement: MYBPC3 is on the minus strand). VCF-style: chr11-47332891-C-G. GRCh37 (hg19) VCF-style: chr11-47354442-C-G.
Other names: p.R1138P:CGC>CCC; short protein forms R1138P.
Identifiers: ClinVar variation 42712 (VCV000042712.21), dbSNP rs187705120, ClinGen allele CA014130.
Genomic context (GRCh38, chr11:47,332,891, plus strand): 5'-ACGGGCTCCTTGGTGGTGGCCGCTCTGTCACTAAAGCCAACCATATTCTGGCTGAAGACG[C>G]GGAAGTAGTAGCCATTGCCAATGATGAGCTCTGGCACCACGCAGTGGGTGCGGCGGTAAT-3'
Protein context (NP_000247.2, residues 1128-1148): ELIIGNGYYF[Arg1138Pro]VFSQNMVGFS

ClinVar aggregate classification (germline): Conflicting classifications of pathogenicity. Review status: criteria provided, conflicting classifications (1 of 4 stars). 9 submissions from 8 submitters: Likely pathogenic (5); Uncertain significance (4). Last evaluated 2026-03-25.

Conditions:
MYBPC3-related disorder. Also called: MYBPC3-related disorders; MYBPC3-related condition; MYBPC3-related disease.
Cardiovascular phenotype. Identifiers: MedGen CN230736.
Left ventricular noncompaction 10 (LVNC10). Identifiers: Orphanet 154, Orphanet 54260, MedGen C3715165, MONDO:0014163, OMIM 615396.
Hypertrophic cardiomyopathy 4. Also called: Familial hypertrophic cardiomyopathy 4. Identifiers: MedGen C1861862, MONDO:0007268, OMIM 115197.
Hypertrophic cardiomyopathy. Also called: HYPERTROPHIC MYOCARDIOPATHY. Identifiers: Orphanet 217569, MedGen C0007194, MeSH D002312, MONDO:0005045, HP:0001639.

gnomAD v4.1: 2 of 1,608,204 alleles (0.00012%); highest among the groups gnomAD compares: Non-Finnish European, 0.00017%; no homozygotes.

Submissions (9):

Ambry Genetics
Classification: Likely pathogenic for Cardiovascular phenotype. Last evaluated: 2026-03-25. Review status: criteria provided, single submitter. Criteria: Ambry Variant Classification Scheme 2023. Collection method: clinical testing. Allele origin: germline.
Comment: The p.R1138P variant (also known as c.3413G>C), located in coding exon 31 of the MYBPC3 gene, results from a G to C substitution at nucleotide position 3413. The arginine at codon 1138 is replaced by proline, an amino acid with dissimilar properties. This variant was reported in individual(s) with features consistent with hypertrophic cardiomyopathy (Coppini R et al. J Am Coll Cardiol, 2014 Dec;64:2589-2600; Mademont-Soler I et al. PLoS One, 2017 Aug;12:e0181465; Walsh R et al. Genet Med, 2017 Feb;19:192-203; Mazzarotto F et al. Genet Med, 2019 Feb;21:284-292; Helms AS et al. Circ Genom Precis Med, 2020 Oct;13:396-405; Micheu MM et al. Diagnostics (Basel), 2020 Dec;10; Janin A et al. Mol Diagn Ther, 2021 May;25:373-385; Field E et al. J Med Genet, 2022 Aug;59:768-775). This amino acid position is highly conserved in available vertebrate species. In addition, this alteration is predicted to be deleterious by in silico analysis. This variant is considered to be rare based on population cohorts in the Genome Aggregation Database (gnomAD). Based on the majority of available evidence to date, this variant is likely to be pathogenic.

Labcorp Genetics (formerly Invitae), Labcorp
Classification: Likely pathogenic for Hypertrophic cardiomyopathy. Last evaluated: 2026-02-03. Review status: criteria provided, single submitter. Criteria: Invitae Variant Classification Sherloc (09022015). Collection method: clinical testing. Allele origin: germline.
Comment: This sequence change replaces arginine, which is basic and polar, with proline, which is neutral and non-polar, at codon 1138 of the MYBPC3 protein (p.Arg1138Pro). This variant is not present in population databases (gnomAD no frequency). This missense change has been observed in individuals with hypertrophic cardiomyopathy (PMID: 25524337, 27532257, 28679633, 37652022; internal data). ClinVar contains an entry for this variant (Variation ID: 42712). An algorithm developed to predict the effect of missense changes on protein structure and function (PolyPhen-2) suggests that this variant is likely to be disruptive. In summary, the currently available evidence indicates that the variant is pathogenic, but additional data are needed to prove that conclusively. Therefore, this variant has been classified as Likely Pathogenic.

Blueprint Genetics
Classification: Likely pathogenic for MYBPC3-related disorders. Last evaluated: 2024-10-29. Review status: criteria provided, single submitter. Criteria: ACMG Guidelines, 2015. Collection method: clinical testing. Allele origin: germline. Affected: yes. Observed: 5 variant alleles.

Baylor Genetics
Classification: Likely pathogenic for Left ventricular noncompaction 10. Last evaluated: 2023-03-28. Review status: criteria provided, single submitter. Criteria: ACMG Guidelines, 2015. Collection method: clinical testing. Allele origin: unknown.

Baylor Genetics
Classification: Likely pathogenic for Hypertrophic cardiomyopathy 4. Last evaluated: 2023-03-28. Review status: criteria provided, single submitter. Criteria: ACMG Guidelines, 2015. Collection method: clinical testing. Allele origin: unknown.

GeneDx
Classification: Uncertain significance. Last evaluated: 2020-05-13. Review status: criteria provided, single submitter. Criteria: GeneDx Variant Classification Process June 2021. Collection method: clinical testing. Allele origin: germline. Affected: yes.
Comment: Reported variant in the literature in individuals referred for cardiomyopathy testing, but clinical and segregation data are limited or absent (Coppini et al., 2014; Ito et al., 2017; Walsh et al., 2017); In silico analysis supports that this missense variant has a deleterious effect on protein structure/function; Not observed in large population cohorts (Lek et al., 2016); This variant is associated with the following publications: (PMID: 25524337, 28679633, 27532257, 33297573)

Centre for Mendelian Genomics, University Medical Centre Ljubljana
Classification: Uncertain significance for Hypertrophic cardiomyopathy 4. Last evaluated: 2019-03-29. Review status: criteria provided, single submitter. Criteria: ACMG Guidelines, 2015. Collection method: clinical testing. Allele origin: unknown. Affected: yes.
Comment: This variant was classified as: Uncertain significance. The available evidence favors the pathogenic nature of this variant, however the currently available data is insufficient to conclusively support its pathogenic nature. Thus this variant is classified as Uncertain significance - favor pathogenic. The following ACMG criteria were applied in classifying this variant: PM2,PP3.

Women's Health and Genetics/Laboratory Corporation of America, LabCorp
Classification: Uncertain significance. Last evaluated: 2017-03-31. Review status: criteria provided, single submitter. Criteria: LabCorp Variant Classification Summary - May 2015. Collection method: clinical testing. Allele origin: germline.
Comment: Variant summary: The MYBPC3 c.3413G>C (p.Arg1138Pro) variant involves the alteration of a conserved nucleotide. 5/5 in silico tools predict a damaging outcome for this variant. This variant is absent in 80556 control chromosomes and has been reported in the literature in at least one patient with HCM without strong evidence for causality. In addition, multiple clinical diagnostic laboratories/reputable databases classified this variant as uncertain significance. Taken together, until additional evidence becomes available, this variant is classified as VUS.

Laboratory for Molecular Medicine, Mass General Brigham Personalized Medicine
Classification: Uncertain significance. Last evaluated: 2013-02-11. Review status: criteria provided, single submitter. Criteria: LMM Criteria. Collection method: clinical testing. Allele origin: germline. Observed: 1 variant allele.
Comment: The Arg1138Pro variant in MYBPC3 has not been reported in the literature nor pre viously identified by our laboratory. The frequency of this variant in large Eur opean American and African American populations cannot be determined from the NH LBI Exome Sequencing Project because coverag e at this position was insufficient or unavailable. Computational analyses (bioc hemical amino acid properties, conservation, AlignGVGD, PolyPhen2, and SIFT) sug gest that this variant may impact the protein, though this information is not pr edictive enough to determine pathogenicity. At this time, additional information is needed to fully assess the clinical significance of this variant.

Literature cited by the submitters: PubMed 25524337 (cited by 3 submitters); PubMed 27532257 (cited by Ambry Genetics and Labcorp Genetics (formerly Invitae), Labcorp); PubMed 28771489 (cited by Ambry Genetics); PubMed 29875424 (cited by Ambry Genetics); PubMed 32841044 (cited by Ambry Genetics); PubMed 33297573 (cited by Ambry Genetics); PubMed 33954932 (cited by Ambry Genetics); PubMed 34400558 (cited by Ambry Genetics); PubMed 28679633 (cited by Labcorp Genetics (formerly Invitae), Labcorp); PubMed 37652022 (cited by Labcorp Genetics (formerly Invitae), Labcorp).